The following is an entry in ClinVar:

NM_004380.3(CREBBP):c.2554C>G (p.Pro852Ala)

Gene: CREBBP (CREB binding lysine acetyltransferase; minus strand). Cytogenetic location: 16p13.3.
Variant type: single nucleotide variant.
Coding change: c.2554C>G on transcript NM_004380.3 (MANE Select); coding-DNA position 2554, C replaced by G.
Protein change: p.Pro852Ala; replaces proline 852 with alanine.
Molecular consequence: missense variant.
Genome position (GRCh38, 1-based): chr16:3,770,896, G>C on the plus strand (C>G on the coding strand, the complement: CREBBP is on the minus strand). VCF-style: chr16-3770896-G-C. GRCh37 (hg19) VCF-style: chr16-3820897-G-C.
Other names: c.2440C>G, p.Pro814Ala (NM_001079846.1); short protein forms P814A, P852A.
Identifiers: ClinVar variation 3351800 (VCV003351800.6).

ClinVar aggregate classification (germline): Conflicting classifications of pathogenicity. Review status: criteria provided, conflicting classifications (1 of 4 stars). 4 submissions from 4 submitters: Uncertain significance (3); Likely benign (1). Last evaluated 2026-09-03.

Conditions:
CREBBP-related disorder. Also called: CREBBP-related disorders; CREBBP-related condition.
Menke-Hennekam syndrome 1 (MKHK1). Identifiers: MedGen C5193034, MONDO:0020763, OMIM 618332.
Rubinstein-Taybi syndrome due to CREBBP mutations (RSTS1). Also called: CREBBP-Related Rubinstein-Taybi Syndrome; RUBINSTEIN-TAYBI SYNDROME 1, INCOMPLETE; BROAD THUMB-HALLUX SYNDROME; Rubinstein-Taybi syndrome 1; RUBINSTEIN SYNDROME; BROAD THUMBS AND GREAT TOES, CHARACTERISTIC FACIES, AND IMPAIRED INTELLECTUAL DEVELOPMENT. Identifiers: Orphanet 353277, Orphanet 783, MedGen C4551859, MONDO:0008393, OMIM 180849.
Rubinstein-Taybi syndrome (RSTS). Identifiers: Orphanet 783, MedGen C0035934, MONDO:0019188.

gnomAD v4.1: 12 of 1,613,758 alleles (0.00074%); highest among the groups gnomAD compares: African/African-American, 0.016%; no homozygotes.

Submissions (4):

PreventionGenetics, part of Exact Sciences
Classification: Uncertain significance for CREBBP-related condition. Last evaluated: 2026-09-03. Review status: criteria provided, single submitter. Criteria: ACMG Guidelines, 2015. Collection method: clinical testing. Allele origin: germline.
Comment: The CREBBP c.2554C>G variant is predicted to result in the amino acid substitution p.Pro852Ala. To our knowledge, this variant has not been reported in the literature. This variant is reported in 0.012% of alleles in individuals of African descent in gnomAD. Although we suspect that this variant may be benign, at this time, the clinical significance of this variant is uncertain due to the absence of conclusive functional and genetic evidence.

Labcorp Genetics (formerly Invitae), Labcorp
Classification: Likely benign for Rubinstein-Taybi syndrome. Last evaluated: 2025-06-12. Review status: criteria provided, single submitter. Criteria: Invitae Variant Classification Sherloc (09022015). Collection method: clinical testing. Allele origin: germline.

Women's Health and Genetics/Laboratory Corporation of America, LabCorp
Classification: Uncertain significance. Last evaluated: 2025-06-10. Review status: criteria provided, single submitter. Criteria: LabCorp Variant Classification Summary - May 2015. Collection method: clinical testing. Allele origin: germline.
Comment: Variant summary: CREBBP c.2554C>G (p.Pro852Ala) results in a non-conservative amino acid change in the encoded protein sequence. Algorithms developed to predict the effect of missense changes on protein structure and function are either unavailable or do not agree on the potential impact of this missense change. The variant allele was found at a frequency of 8e-06 in 251054 control chromosomes. The available data on variant occurrences in the general population are insufficient to allow any conclusion about variant significance. To our knowledge, no occurrence of c.2554C>G in individuals affected with Rubinstein-Taybi Syndrome and no experimental evidence demonstrating its impact on protein function have been reported. ClinVar contains an entry for this variant (Variation ID: 3351800). Based on the evidence outlined above, the variant was classified as uncertain significance.

Fulgent Genetics
Classification: Uncertain significance for Rubinstein-Taybi syndrome due to CREBBP mutations; Menke-Hennekam syndrome 1. Last evaluated: 2024-01-20. Review status: criteria provided, single submitter. Criteria: ACMG Guidelines, 2015. Collection method: clinical testing. Allele origin: germline.